The following is an entry in ClinVar:

NM_002335.4(LRP5):c.3768G>A (p.Pro1256=)

Gene: LRP5 (LDL receptor related protein 5; plus strand). Cytogenetic location: 11q13.2.
Variant type: single nucleotide variant.
Coding change: c.3768G>A on transcript NM_002335.4 (MANE Select); coding-DNA position 3768, G replaced by A.
Protein change: p.Pro1256=; no amino-acid change (proline 1256 retained).
Molecular consequence: synonymous variant.
Genome position (GRCh38, 1-based): chr11:68,433,606, G>A. VCF-style: chr11-68433606-G-A. GRCh37 (hg19) VCF-style: chr11-68201074-G-A.
Other names: c.2025G>A, p.Pro675= (NM_001291902.2).
Identifiers: ClinVar variation 1645785 (VCV001645785.32), dbSNP rs746916192, ClinGen allele CA6150112.
Genomic context (GRCh38, chr11:68,433,606, plus strand): 5'-GCCTGGGTTTTGCTGGGCGGGGCTGCGTGTGATGTTCTCCTCTGTCCCTCCCCCAGAGCC[G>A]CCCACCTGCTCCCCGGACCAGTTTGCATGTGCCACAGGGGAGATCGACTGTATCCCCGGG-3'
Protein context (NP_002326.2, residues 1246-1266): LLQNLLTCGE[Pro1256=]PTCSPDQFAC

ClinVar aggregate classification (germline): Likely benign. Review status: criteria provided, multiple submitters, no conflicts (2 of 4 stars). 2 submissions from 2 submitters: Likely benign (2). Last evaluated 2023-09-01.

Allele frequency attached by ClinVar (database versions not stated): TOPMed below 0.00001; ExAC 0.00002.
gnomAD v4.1: 11 of 1,612,956 alleles (0.00068%); highest among the groups gnomAD compares: East Asian, 0.0045%; no homozygotes.

Submissions (2):

CeGaT Center for Human Genetics Tuebingen
Classification: Likely benign. Last evaluated: 2023-09-01. Review status: criteria provided, single submitter. Criteria: CeGaT Center For Human Genetics Tuebingen Variant Classification Criteria Version 2. Collection method: clinical testing. Allele origin: germline. Affected: yes. Observed: 1 variant allele.
Comment: LRP5: BP4, BP7

Labcorp Genetics (formerly Invitae), Labcorp
Classification: Likely benign. Last evaluated: 2023-02-16. Review status: criteria provided, single submitter. Criteria: Invitae Variant Classification Sherloc (09022015). Collection method: clinical testing. Allele origin: germline.